The following is an entry in ClinVar:

ClinVar aggregate classification (germline): Uncertain significance (1 of 4 stars; one submission).

Conditions:
Intellectual developmental disorder, X-linked 103. Also called: Intellectual disability, X-linked 103. Identifiers: MedGen C4310818, MONDO:0010508, OMIM 300982.

Submission:

Clinical Genomics Laboratory, Washington University in St. Louis
Classification: Uncertain significance for Intellectual developmental disorder, X-linked 103. Last evaluated: 2025-06-11. Review status: criteria provided, single submitter. Criteria: ACMG Guidelines, 2015. Collection method: clinical testing. Allele origin: germline.
Comment: The KLHL15 c.1693C>G (p.Pro565Ala) variant, to our knowledge, has not been reported in the medical literature and is absent from the general population (gnomAD v.2.1.1), indicating it is not a common variant. This variant occurs in the Kelch domain and computational predictors indicate that the variant is damaging, evidence that correlates with impact to KLHL15 function. However, another variant in the same codon, c.1693C>A (p.Pro565Thr) is classified as likely benign in the ClinVar database (ClinVar Variation ID: 2660175). Due to limited information, and based on ACMG/AMP guidelines for variant interpretation (Richards S et al., PMID: 25741868), the clinical significance of this variant is uncertain at this time.

NM_030624.3(KLHL15):c.1693C>G (p.Pro565Ala)

Gene: KLHL15 (kelch like family member 15; minus strand). Cytogenetic location: Xp22.11.
Variant type: single nucleotide variant.
Coding change: c.1693C>G on transcript NM_030624.3 (MANE Select); coding-DNA position 1693, C replaced by G.
Protein change: p.Pro565Ala; replaces proline 565 with alanine.
Molecular consequence: missense variant.
Genome position (GRCh38, 1-based): chrX:23,988,043, G>C on the plus strand (C>G on the coding strand, the complement: KLHL15 is on the minus strand). VCF-style: chrX-23988043-G-C. GRCh37 (hg19) VCF-style: chrX-24006160-G-C.
Other names: short protein forms P565A.
Identifiers: ClinVar variation 4279780 (VCV004279780.1).
Genomic context (GRCh38, chrX:23,988,043, plus strand): 5'-AACCATCCAGCTTGCAGGGCATCCGAGGGTACTCATCTTCCTTCCACTTGTTTTCATCCG[G>C]ATCAAAAGTGAGGATGGAATCGCTGTAATGACCATTATAACAAAGGCCTCCAAGAACCAT-3'
Protein context (NP_085127.2, residues 555-575): HYSDSILTFD[Pro565Ala]DENKWKEDEY